The following is an entry in ClinVar:

NM_014727.3(KMT2B):c.1045G>C (p.Gly349Arg)

Gene: KMT2B (lysine methyltransferase 2B; plus strand). Cytogenetic location: 19q13.12.
Variant type: single nucleotide variant.
Coding change: c.1045G>C on transcript NM_014727.3 (MANE Select); coding-DNA position 1045, G replaced by C.
Protein change: p.Gly349Arg; replaces glycine 349 with arginine.
Molecular consequence: missense variant.
Genome position (GRCh38, 1-based): chr19:35,720,392, G>C. VCF-style: chr19-35720392-G-C. GRCh37 (hg19) VCF-style: chr19-36211294-G-C.
Other names: short protein forms G349R.
Identifiers: ClinVar variation 2098291 (VCV002098291.4), dbSNP rs1334903284, ClinGen allele CA405383897.

ClinVar aggregate classification (germline): Uncertain significance (1 of 4 stars; one submission).

gnomAD v4.1: 8 of 1,581,712 alleles (0.00051%); highest among the groups gnomAD compares: Non-Finnish European, 0.00069%; no homozygotes.

Submission:

Labcorp Genetics (formerly Invitae), Labcorp
Classification: Uncertain significance. Last evaluated: 2022-10-10. Review status: criteria provided, single submitter. Criteria: Invitae Variant Classification Sherloc (09022015). Collection method: clinical testing. Allele origin: germline.
Comment: In summary, the available evidence is currently insufficient to determine the role of this variant in disease. Therefore, it has been classified as a Variant of Uncertain Significance. Advanced modeling of protein sequence and biophysical properties (such as structural, functional, and spatial information, amino acid conservation, physicochemical variation, residue mobility, and thermodynamic stability) performed at Invitae indicates that this missense variant is not expected to disrupt KMT2B protein function. This variant has not been reported in the literature in individuals affected with KMT2B-related conditions. This variant is present in population databases (no rsID available, gnomAD 0.001%). This sequence change replaces glycine, which is neutral and non-polar, with arginine, which is basic and polar, at codon 349 of the KMT2B protein (p.Gly349Arg).